The following is an entry in ClinVar:

NM_015627.3(LDLRAP1):c.874T>G (p.Trp292Gly)

Gene: LDLRAP1 (low density lipoprotein receptor adaptor protein 1; plus strand). Cytogenetic location: 1p36.11.
Variant type: single nucleotide variant.
Coding change: c.874T>G on transcript NM_015627.3 (MANE Select); coding-DNA position 874, T replaced by G.
Protein change: p.Trp292Gly; replaces tryptophan 292 with glycine.
Molecular consequence: missense variant.
Genome position (GRCh38, 1-based): chr1:25,566,939, T>G. VCF-style: chr1-25566939-T-G. GRCh37 (hg19) VCF-style: chr1-25893430-T-G.
Other names: short protein forms W292G.
Identifiers: ClinVar variation 2113034 (VCV002113034.4), dbSNP rs2524170224, ClinGen allele CA339076030.

ClinVar aggregate classification (germline): Uncertain significance (1 of 4 stars; one submission).

Conditions:
Hypercholesterolemia, familial, 4 (FHCL4). Also called: HYPERCHOLESTEROLEMIA, AUTOSOMAL RECESSIVE, 1; HYPERCHOLESTEROLEMIA, AUTOSOMAL RECESSIVE, 2. Identifiers: Orphanet 391665, MedGen C1863512, MONDO:0011374, OMIM 603813.

Submission:

Labcorp Genetics (formerly Invitae), Labcorp
Classification: Uncertain significance for Hypercholesterolemia, familial, 4. Last evaluated: 2022-03-16. Review status: criteria provided, single submitter. Criteria: Invitae Variant Classification Sherloc (09022015). Collection method: clinical testing. Allele origin: germline.
Comment: In summary, the available evidence is currently insufficient to determine the role of this variant in disease. Therefore, it has been classified as a Variant of Uncertain Significance. Algorithms developed to predict the effect of missense changes on protein structure and function are either unavailable or do not agree on the potential impact of this missense change (SIFT: "Deleterious"; PolyPhen-2: "Probably Damaging"; Align-GVGD: "Class C0"). This variant has not been reported in the literature in individuals affected with LDLRAP1-related conditions. This variant is not present in population databases (gnomAD no frequency). This sequence change replaces tryptophan, which is neutral and slightly polar, with glycine, which is neutral and non-polar, at codon 292 of the LDLRAP1 protein (p.Trp292Gly).